The following is an entry in ClinVar:

ClinVar aggregate classification (germline): Uncertain significance. Review status: criteria provided, multiple submitters, no conflicts (2 of 4 stars). 3 submissions from 3 submitters: Uncertain significance (3). Last evaluated 2025-03-26.

Conditions:
Inborn genetic diseases. Identifiers: MedGen C0950123, MeSH D030342.

Allele frequency attached by ClinVar (database versions not stated): TOPMed below 0.00001.

Submissions (3):

Ambry Genetics
Classification: Uncertain significance for Inborn genetic diseases. Last evaluated: 2025-03-26. Review status: criteria provided, single submitter. Criteria: Ambry Variant Classification Scheme 2023. Collection method: clinical testing. Allele origin: germline.

Labcorp Genetics (formerly Invitae), Labcorp
Classification: Uncertain significance. Last evaluated: 2022-01-07. Review status: criteria provided, single submitter. Criteria: Invitae Variant Classification Sherloc (09022015). Collection method: clinical testing. Allele origin: germline.
Comment: This sequence change replaces proline, which is neutral and non-polar, with leucine, which is neutral and non-polar, at codon 768 of the IMPG2 protein (p.Pro768Leu). This variant is not present in population databases (gnomAD no frequency). This variant has not been reported in the literature in individuals affected with IMPG2-related conditions. ClinVar contains an entry for this variant (Variation ID: 955400). Algorithms developed to predict the effect of missense changes on protein structure and function output the following: SIFT: "Tolerated"; PolyPhen-2: "Benign"; Align-GVGD: "Class C0". The leucine amino acid residue is found in multiple mammalian species, which suggests that this missense change does not adversely affect protein function. In summary, the available evidence is currently insufficient to determine the role of this variant in disease. Therefore, it has been classified as a Variant of Uncertain Significance.

Blueprint Genetics
Classification: Uncertain significance. Last evaluated: 2021-09-14. Review status: criteria provided, single submitter. Criteria: ACMG Guidelines, 2015. Collection method: clinical testing. Allele origin: germline.

NM_016247.4(IMPG2):c.2303C>T (p.Pro768Leu)

Gene: IMPG2 (interphotoreceptor matrix proteoglycan 2; minus strand). Cytogenetic location: 3q12.3.
Variant type: single nucleotide variant.
Coding change: c.2303C>T on transcript NM_016247.4 (MANE Select); coding-DNA position 2303, C replaced by T.
Protein change: p.Pro768Leu; replaces proline 768 with leucine.
Molecular consequence: missense variant.
Genome position (GRCh38, 1-based): chr3:101,244,028, G>A on the plus strand (C>T on the coding strand, the complement: IMPG2 is on the minus strand). VCF-style: chr3-101244028-G-A. GRCh37 (hg19) VCF-style: chr3-100962872-G-A.
Other names: short protein forms P768L.
Identifiers: ClinVar variation 955400 (VCV000955400.9), dbSNP rs1706442125, ClinGen allele CA353858013.